The following is an entry in ClinVar:

NM_130837.3(OPA1):c.1478-2A>G

Gene: OPA1 (OPA1 mitochondrial dynamin like GTPase; plus strand). Cytogenetic location: 3q29.
Variant type: single nucleotide variant.
Coding change: c.1478-2A>G on transcript NM_130837.3 (MANE Select); the canonical splice acceptor site of the intron before coding-DNA position 1478, A replaced by G.
Molecular consequence: splice acceptor variant.
Genome position (GRCh38, 1-based): chr3:193,643,973, A>G. VCF-style: chr3-193643973-A-G. GRCh37 (hg19) VCF-style: chr3-193361762-A-G.
Other names: c.941-2A>G (NM_001354664.2); c.944-2A>G (NM_001354663.2); c.1367-2A>G (NM_130834.3); c.1424-2A>G (NM_130836.3); c.1313-2A>G (NM_015560.3); c.1370-2A>G (NM_130835.3); c.1259-2A>G (NM_130832.3); c.1316-2A>G (NM_130833.3); and 1 more.
Identifiers: ClinVar variation 3720553 (VCV003720553.2).

ClinVar aggregate classification (germline): Likely pathogenic (1 of 4 stars; one submission).

gnomAD v4.1: 2 of 1,613,538 alleles (0.00012%); highest among the groups gnomAD compares: East Asian, 0.0022%; no homozygotes.

Submission:

Labcorp Genetics (formerly Invitae), Labcorp
Classification: Likely pathogenic. Last evaluated: 2025-01-13. Review status: criteria provided, single submitter. Criteria: Invitae Variant Classification Sherloc (09022015). Collection method: clinical testing. Allele origin: germline.
Comment: This sequence change affects an acceptor splice site in intron 13 of the OPA1 gene. It is expected to disrupt RNA splicing. Variants that disrupt the donor or acceptor splice site typically lead to a loss of protein function (PMID: 16199547), and loss-of-function variants in OPA1 are known to be pathogenic (PMID: 11440988, 20157015, 20952381, 25012220). This variant is not present in population databases (gnomAD no frequency). Disruption of this splice site has been observed in individual(s) with OPA1-related conditions (PMID: 19319978). Algorithms developed to predict the effect of sequence changes on RNA splicing suggest that this variant may disrupt the consensus splice site. In summary, the currently available evidence indicates that the variant is pathogenic, but additional data are needed to prove that conclusively. Therefore, this variant has been classified as Likely Pathogenic.

Literature cited by the submitters: PubMed 16199547; PubMed 11440988; PubMed 20157015; PubMed 20952381; PubMed 25012220; PubMed 19319978.